The following is an entry in ClinVar:

ClinVar aggregate classification (germline): Benign. Review status: criteria provided, multiple submitters, no conflicts (2 of 4 stars). 3 submissions from 3 submitters: Benign (2). 1 of the submissions does not count toward it. Last evaluated 2026-01-27.

Conditions:
EPRS1-related disorder. Also called: EPRS1-related condition.

Allele frequency attached by ClinVar (database versions not stated): gnomAD exomes 0.01041; ExAC 0.01280; gnomAD 0.03684 and 0.03975; 1000 Genomes Project 0.04233; TOPMed 0.04288; ESP Exome Variant Server 0.04429; 1000 Genomes Project 30x 0.04482.
gnomAD v4.1: 11,504 of 1,610,898 alleles (0.71%); highest among the groups gnomAD compares: African/African-American, 13%; 632 homozygotes.

Submissions (3):

Labcorp Genetics (formerly Invitae), Labcorp
Classification: Benign. Last evaluated: 2026-01-27. Review status: criteria provided, single submitter. Criteria: Invitae Variant Classification Sherloc (09022015). Collection method: clinical testing. Allele origin: germline.

Breakthrough Genomics
Classification: Benign. Review status: criteria provided, single submitter. Criteria: ACMG Guidelines, 2015. Collection method: not provided. Allele origin: germline. Inheritance: Autosomal recessive inheritance. Affected: yes.

PreventionGenetics, part of Exact Sciences
Classification: Benign for EPRS1-related condition. Last evaluated: 2019-09-11. Review status: no assertion criteria provided. Collection method: clinical testing. Allele origin: germline. Not counted in ClinVar's aggregate classification.
Comment: This variant is classified as benign based on ACMG/AMP sequence variant interpretation guidelines (Richards et al. 2015 PMID: 25741868, with internal and published modifications).

NM_004446.3(EPRS1):c.1115+7A>G

Gene: EPRS1 (glutamyl-prolyl-tRNA synthetase 1; minus strand). Cytogenetic location: 1q41.
Variant type: single nucleotide variant.
Coding change: c.1115+7A>G on transcript NM_004446.3 (MANE Select); 7 bases into the intron after coding-DNA position 1115, A replaced by G.
Molecular consequence: intron variant.
Genome position (GRCh38, 1-based): chr1:220,022,340, T>C on the plus strand (A>G on the coding strand, the complement: EPRS1 is on the minus strand). VCF-style: chr1-220022340-T-C. GRCh37 (hg19) VCF-style: chr1-220195682-T-C.
Other names: c.1115+7A>G (NM_004446.2).
Identifiers: ClinVar variation 1165415 (VCV001165415.12), dbSNP rs12080610, ClinGen allele CA1400383.